The following is an entry in ClinVar:

NM_001363118.2(SLC52A2):c.1228G>C (p.Val410Leu)

Gene: SLC52A2 (solute carrier family 52 member 2; plus strand). Cytogenetic location: 8q24.3.
Variant type: single nucleotide variant.
Coding change: c.1228G>C on transcript NM_001363118.2 (MANE Select); coding-DNA position 1228, G replaced by C.
Protein change: p.Val410Leu; replaces valine 410 with leucine.
Molecular consequence: missense variant. On other transcripts: non-coding transcript variant (1).
Genome position (GRCh38, 1-based): chr8:144,360,905, G>C. VCF-style: chr8-144360905-G-C. GRCh37 (hg19) VCF-style: chr8-145584565-G-C.
Other names: c.1228G>C, p.Val410Leu (NM_001363121.2, NM_024531.5, NM_001253815.2 and 2 more transcripts); c.736G>C, p.Val246Leu (NM_001363122.2); short protein forms V410L, V246L.
Identifiers: ClinVar variation 392970 (VCV000392970.2), dbSNP rs782298557, ClinGen allele CA16605214.

ClinVar aggregate classification (germline): Uncertain significance (1 of 4 stars; one submission).

Allele frequency attached by ClinVar (database versions not stated): gnomAD 0.00001.

Submission:

GeneDx
Classification: Uncertain significance. Last evaluated: 2017-01-17. Review status: criteria provided, single submitter. Criteria: GeneDx Variant Classification (06012015). Collection method: clinical testing. Allele origin: germline. Affected: yes.
Comment: A variant of uncertain significance has been identified in the SLC52A2 gene. The V410L variant has not been published as a pathogenic variant, nor has it been reported as a benign variant to our knowledge. The V410L variant is not observed in large population cohorts (Lek et al., 2016; 1000 Genomes Consortium et al., 2015; Exome Variant Server). The V410L variant is a conservative amino acid substitution, which is not likely to impact secondary protein structure as these residues share similar properties. This substitution occurs at a position where amino acids with similar properties to Valine are tolerated across species. However, in silico analysis is inconsistent in its predictions as to whether or not the variant is damaging to the protein structure/function. Therefore, based on the currently available information, it is unclear whether this variant is a pathogenic variant or a rare benign variant.